The following is an entry in ClinVar:

NM_000443.4(ABCB4):c.3034G>T (p.Glu1012Ter)

Gene: ABCB4 (ATP binding cassette subfamily B member 4; minus strand). Cytogenetic location: 7q21.12.
Variant type: single nucleotide variant.
Coding change: c.3034G>T on transcript NM_000443.4 (MANE Select); coding-DNA position 3034, G replaced by T.
Protein change: p.Glu1012Ter; replaces glutamic acid 1012 with a stop codon.
Molecular consequence: nonsense.
Genome position (GRCh38, 1-based): chr7:87,409,283, C>A on the plus strand (G>T on the coding strand, the complement: ABCB4 is on the minus strand). VCF-style: chr7-87409283-C-A. GRCh37 (hg19) VCF-style: chr7-87038599-C-A.
Other names: c.3034G>T, p.Glu1012Ter (NM_018849.3); c.2893G>T, p.Glu965Ter (NM_018850.3); short protein forms E1012*, E965*.
Identifiers: ClinVar variation 4846425 (VCV004846425.1).

ClinVar aggregate classification (germline): Pathogenic (1 of 4 stars; one submission).

Conditions:
Familial intrahepatic cholestasis. Identifiers: Orphanet 284385, MedGen CN296401, MONDO:0017290.

Submission:

Genomenon, Inc
Classification: Pathogenic for Familial intrahepatic cholestasis. Last evaluated: 2026-04-14. Review status: criteria provided, single submitter. Criteria: Genomenon Sequence Variant Interpretation Standards - Updated. Collection method: curation. Allele origin: germline. Affected: yes.
Comment: ABCB4 p.Glu1012Ter (c.3034G>T) is a nonsense variant that introduces a premature stop codon at amino acid position 1012, creating a truncated protein that is predicted to undergo nonsense-mediated mRNA decay. This variant has been observed in at least one proband with an ABCB4-related disorder (PMID:35232966). It is absent or not present at a significant frequency in gnomAD. In conclusion, we classify ABCB4 p.Glu1012Ter (c.3034G>T) as a pathogenic variant.

Literature cited by the submitters: PubMed 35232966.